The following is an entry in ClinVar:

NM_170707.4(LMNA):c.763del (p.Gln255fs)

Gene: LMNA (lamin A/C; plus strand). Cytogenetic location: 1q22.
Variant type: Deletion.
Coding change: c.763del on transcript NM_170707.4 (MANE Select); coding-DNA position 763, one base deleted (C; older notation c.763delC).
Protein change: p.Gln255fs; shifts the reading frame from glutamine 255.
Molecular consequence: frameshift variant.
Genome position (GRCh38, 1-based): chr1:156,134,928, C deleted; the last of 2 consecutive C bases (chr1:156,134,927-156,134,928); deleting either gives the same sequence. VCF-style (leftmost placement, unchanged base first): chr1-156134926-AC-A. GRCh37 (hg19) VCF-style: chr1-156104717-AC-A.
Other names: c.427del, p.Gln143fs (NM_001257374.3); c.520del, p.Gln174fs (NM_001282624.2); c.763del, p.Gln255fs (NM_001282625.2, NM_001282626.2, NM_005572.4 and 1 more transcripts); short protein forms Q143fs, Q174fs, Q255fs.
Identifiers: ClinVar variation 48079 (VCV000048079.7), dbSNP rs397517908, ClinGen allele CA018586.

ClinVar aggregate classification (germline): Pathogenic/Likely pathogenic. Review status: criteria provided, multiple submitters, no conflicts (2 of 4 stars). 2 submissions from 2 submitters: Pathogenic (1); Likely pathogenic (1). Last evaluated 2024-09-09.

Conditions:
Charcot-Marie-Tooth disease type 2. Also called: Charcot-Marie-Tooth type 2. Identifiers: Orphanet 64746, MedGen C0270914, MONDO:0018993.
Primary dilated cardiomyopathy (DCM). Also called: Dilated Cardiomyopathy. Identifiers: Orphanet 217604, MedGen C0007193, MeSH D002311, MONDO:0005021, HP:0001644. Inheritance: Various modes of inheritance.

Submissions (2):

Labcorp Genetics (formerly Invitae), Labcorp
Classification: Pathogenic for Charcot-Marie-Tooth disease type 2. Last evaluated: 2024-09-09. Review status: criteria provided, single submitter. Criteria: Invitae Variant Classification Sherloc (09022015). Collection method: clinical testing. Allele origin: germline.
Comment: This sequence change creates a premature translational stop signal (p.Gln255Argfs*225) in the LMNA gene. It is expected to result in an absent or disrupted protein product. Loss-of-function variants in LMNA are known to be pathogenic (PMID: 18585512, 18926329). This variant is not present in population databases (gnomAD no frequency). This premature translational stop signal has been observed in individual(s) with cardiomyopathy (PMID: 24503780, 27532257). ClinVar contains an entry for this variant (Variation ID: 48079). For these reasons, this variant has been classified as Pathogenic.

Laboratory for Molecular Medicine, Mass General Brigham Personalized Medicine
Classification: Likely pathogenic for Primary dilated cardiomyopathy. Last evaluated: 2012-12-04. Review status: criteria provided, single submitter. Criteria: LMM Criteria. Collection method: clinical testing. Allele origin: germline. Observed: 1 variant allele.
Comment: This frameshift variant is predicted to alter the p rotein?s amino acid sequence beginning at position 255 and lead to a premature t ermination codon 225 amino acids downstream. This alteration is then predicted t o lead to a truncated or absent protein. Heterozygous loss of function of functi on of the LMNA gene is an established disease mechanism in DCM patients. In summ ary, the Gln255fs variant is likely to be pathogenic.

Literature cited by the submitters: PubMed 18585512 (cited by Labcorp Genetics (formerly Invitae), Labcorp); PubMed 18926329 (cited by Labcorp Genetics (formerly Invitae), Labcorp); PubMed 24503780 (cited by Labcorp Genetics (formerly Invitae), Labcorp); PubMed 27532257 (cited by Labcorp Genetics (formerly Invitae), Labcorp).